The following is an entry in ClinVar:

ClinVar aggregate classification (germline): Uncertain significance (1 of 4 stars; one submission).

Conditions:
Hereditary cancer-predisposing syndrome. Also called: Tumor predisposition; Hereditary neoplastic syndrome; Hereditary Cancer Syndrome; Neoplastic Syndromes, Hereditary. Identifiers: Orphanet 140162, MedGen C0027672, MeSH D009386, MONDO:0015356.

Submission:

Ambry Genetics
Classification: Uncertain significance for Hereditary cancer-predisposing syndrome. Last evaluated: 2025-05-29. Review status: criteria provided, single submitter. Criteria: Ambry Variant Classification Scheme 2023. Collection method: clinical testing. Allele origin: germline.
Comment: The p.D514N variant (also known as c.1540G>A), located in coding exon 11 of the PTCH1 gene, results from a G to A substitution at nucleotide position 1540. The aspartic acid at codon 514 is replaced by asparagine, an amino acid with highly similar properties. This amino acid position is conserved. In addition, the in silico prediction for this alteration is inconclusive. Based on the available evidence, the clinical significance of this variant remains unclear.

NM_000264.5(PTCH1):c.1540G>A (p.Asp514Asn)

Gene: PTCH1 (patched 1; minus strand). Cytogenetic location: 9q22.32.
Variant type: single nucleotide variant.
Coding change: c.1540G>A on transcript NM_000264.5 (MANE Select); coding-DNA position 1540, G replaced by A.
Protein change: p.Asp514Asn; replaces aspartic acid 514 with asparagine.
Molecular consequence: missense variant. On other transcripts: non-coding transcript variant (1).
Genome position (GRCh38, 1-based): chr9:95,476,821, C>T on the plus strand (G>A on the coding strand, the complement: PTCH1 is on the minus strand). VCF-style: chr9-95476821-C-T. GRCh37 (hg19) VCF-style: chr9-98239103-C-T.
Other names: c.1087G>A, p.Asp363Asn (NM_001083604.3, NM_001083605.3, NM_001083606.3 and 1 more transcripts); c.1342G>A, p.Asp448Asn (NM_001083602.3); c.1537G>A, p.Asp513Asn (NM_001083603.3); c.1384G>A, p.Asp462Asn (NM_001354918.2); short protein forms D448N, D462N, D363N, D513N, D514N.
Identifiers: ClinVar variation 3939985 (VCV003939985.1).